The following is an entry in ClinVar:

ClinVar aggregate classification (germline): Uncertain significance (1 of 4 stars; one submission).

gnomAD v4.1: 22 of 1,603,570 alleles (0.0014%); highest among the groups gnomAD compares: Non-Finnish European, 0.0019%; no homozygotes.

Submission:

Labcorp Genetics (formerly Invitae), Labcorp
Classification: Uncertain significance. Last evaluated: 2024-09-18. Review status: criteria provided, single submitter. Criteria: Invitae Variant Classification Sherloc (09022015). Collection method: clinical testing. Allele origin: germline.
Comment: This sequence change replaces lysine, which is basic and polar, with arginine, which is basic and polar, at codon 573 of the SUCO protein (p.Lys573Arg). This variant is not present in population databases (gnomAD no frequency). This variant has not been reported in the literature in individuals affected with SUCO-related conditions. An algorithm developed to predict the effect of missense changes on protein structure and function (PolyPhen-2) suggests that this variant is likely to be tolerated. In summary, the available evidence is currently insufficient to determine the role of this variant in disease. Therefore, it has been classified as a Variant of Uncertain Significance.

NM_014283.5(SUCO):c.1718A>G (p.Lys573Arg)

Gene: SUCO (SUN domain containing ossification factor; plus strand). Cytogenetic location: 1q24.3.
Variant type: single nucleotide variant.
Coding change: c.1718A>G on transcript NM_014283.5 (MANE Select); coding-DNA position 1718, A replaced by G.
Protein change: p.Lys573Arg; replaces lysine 573 with arginine.
Molecular consequence: missense variant.
Genome position (GRCh38, 1-based): chr1:172,588,819, A>G. VCF-style: chr1-172588819-A-G. GRCh37 (hg19) VCF-style: chr1-172557959-A-G.
Other names: c.1607A>G, p.Lys536Arg (NM_001282750.2); c.29A>G, p.Lys10Arg (NM_001282751.2); c.2171A>G, p.Lys724Arg (NM_016227.4); short protein forms K10R, K536R, K573R, K724R.
Identifiers: ClinVar variation 3612078 (VCV003612078.2).